The following is an entry in ClinVar:

ClinVar aggregate classification (germline): Conflicting classifications of pathogenicity. Review status: criteria provided, conflicting classifications (1 of 4 stars). 2 submissions from 2 submitters: Pathogenic (1); Uncertain significance (1). Last evaluated 2024-07-02.

Allele frequency attached by ClinVar (database versions not stated): gnomAD 0.00001; gnomAD exomes 0.00001; ExAC 0.00002; 1000 Genomes Project 0.00020; 1000 Genomes Project 30x 0.00031.
gnomAD v4.1: 2 of 1,613,384 alleles (0.00012%); highest among the groups gnomAD compares: East Asian, 0.0045%; no homozygotes.

Submissions (2):

Labcorp Genetics (formerly Invitae), Labcorp
Classification: Pathogenic. Last evaluated: 2024-07-02. Review status: criteria provided, single submitter. Criteria: Invitae Variant Classification Sherloc (09022015). Collection method: clinical testing. Allele origin: germline.
Comment: This sequence change replaces lysine, which is basic and polar, with arginine, which is basic and polar, at codon 457 of the PDE6B protein (p.Lys457Arg). This variant is present in population databases (rs574676553, gnomAD 0.01%). This missense change has been observed in individual(s) with autosomal recessive retinitis pigmentosa (Invitae). In at least one individual the data is consistent with being in trans (on the opposite chromosome) from a pathogenic variant. ClinVar contains an entry for this variant (Variation ID: 1051624). Advanced modeling of protein sequence and biophysical properties (such as structural, functional, and spatial information, amino acid conservation, physicochemical variation, residue mobility, and thermodynamic stability) performed at Invitae indicates that this missense variant is not expected to disrupt PDE6B protein function with a negative predictive value of 80%. Algorithms developed to predict the effect of sequence changes on RNA splicing suggest that this variant may disrupt the consensus splice site. For these reasons, this variant has been classified as Pathogenic.

Blueprint Genetics
Classification: Uncertain significance. Last evaluated: 2022-02-10. Review status: criteria provided, single submitter. Criteria: ACMG Guidelines, 2015. Collection method: clinical testing. Allele origin: germline.

NM_000283.4(PDE6B):c.1370A>G (p.Lys457Arg)

Gene: PDE6B (phosphodiesterase 6B; plus strand). Cytogenetic location: 4p16.3.
Variant type: single nucleotide variant.
Coding change: c.1370A>G on transcript NM_000283.4 (MANE Select); coding-DNA position 1370, A replaced by G.
Protein change: p.Lys457Arg; replaces lysine 457 with arginine.
Molecular consequence: missense variant.
Genome position (GRCh38, 1-based): chr4:657,463, A>G. VCF-style: chr4-657463-A-G. GRCh37 (hg19) VCF-style: chr4-651252-A-G.
Other names: c.1370A>G, p.Lys457Arg (NM_001145291.2); c.533A>G, p.Lys178Arg (NM_001145292.2, NM_001350154.3, NM_001379246.1 and 1 more transcripts); c.215A>G, p.Lys72Arg (NM_001350155.3); short protein forms K178R, K457R, K72R.
Identifiers: ClinVar variation 1051624 (VCV001051624.11), dbSNP rs574676553, ClinGen allele CA2794463.